The following is an entry in ClinVar:

NM_006015.6(ARID1A):c.824G>C (p.Gly275Ala)

Genes: ARID1A (AT-rich interaction domain 1A; plus strand), LOC129929837 (ATAC-STARR-seq lymphoblastoid silent region 489; plus strand). Cytogenetic location: 1p36.11.
Variant type: single nucleotide variant.
Coding change: c.824G>C on transcript NM_006015.6 (MANE Select); coding-DNA position 824, G replaced by C.
Protein change: p.Gly275Ala; replaces glycine 275 with alanine.
Molecular consequence: missense variant.
Genome position (GRCh38, 1-based): chr1:26,697,227, G>C. VCF-style: chr1-26697227-G-C. GRCh37 (hg19) VCF-style: chr1-27023718-G-C.
Other names: c.824G>C, p.Gly275Ala (NM_139135.4); short protein forms G275A.
Identifiers: ClinVar variation 2992608 (VCV002992608.3), dbSNP rs575243862, ClinGen allele CA19641639.

ClinVar aggregate classification (germline): Uncertain significance (1 of 4 stars; one submission).

gnomAD v4.1: 14 of 1,378,814 alleles (0.001%); highest among the groups gnomAD compares: South Asian, 0.015%; no homozygotes.

Submission:

Labcorp Genetics (formerly Invitae), Labcorp
Classification: Uncertain significance. Last evaluated: 2024-04-16. Review status: criteria provided, single submitter. Criteria: Invitae Variant Classification Sherloc (09022015). Collection method: clinical testing. Allele origin: germline.
Comment: This sequence change replaces glycine, which is neutral and non-polar, with alanine, which is neutral and non-polar, at codon 275 of the ARID1A protein (p.Gly275Ala). This variant is not present in population databases (gnomAD no frequency). This variant has not been reported in the literature in individuals affected with ARID1A-related conditions. Advanced modeling of protein sequence and biophysical properties (such as structural, functional, and spatial information, amino acid conservation, physicochemical variation, residue mobility, and thermodynamic stability) performed at Invitae indicates that this missense variant is not expected to disrupt ARID1A protein function with a negative predictive value of 95%. In summary, the available evidence is currently insufficient to determine the role of this variant in disease. Therefore, it has been classified as a Variant of Uncertain Significance.